The following is an entry in ClinVar:

ClinVar aggregate classification (germline): Uncertain significance (1 of 4 stars; one submission).

Conditions:
Sulfite oxidase deficiency due to molybdenum cofactor deficiency type A. Also called: Molybdenum Cofactor Deficiency A; Molybdenum cofactor deficiency, complementation group A. Identifiers: Orphanet 308386, Orphanet 833, MedGen C1854988, MONDO:0009643, OMIM 252150.

Allele frequency attached by ClinVar (database versions not stated): gnomAD exomes 0.00004; ExAC 0.00005; TOPMed 0.00005; gnomAD 0.00006 and 0.00007.

Submission:

Labcorp Genetics (formerly Invitae), Labcorp
Classification: Uncertain significance for Sulfite oxidase deficiency due to molybdenum cofactor deficiency type A. Last evaluated: 2022-08-23. Review status: criteria provided, single submitter. Criteria: Invitae Variant Classification Sherloc (09022015). Collection method: clinical testing. Allele origin: germline.
Comment: This sequence change replaces arginine, which is basic and polar, with glutamine, which is neutral and polar, at codon 112 of the MOCS1 protein (p.Arg112Gln). This variant is present in population databases (rs751538238, gnomAD 0.06%). This variant has not been reported in the literature in individuals affected with MOCS1-related conditions. ClinVar contains an entry for this variant (Variation ID: 1422086). Algorithms developed to predict the effect of missense changes on protein structure and function are either unavailable or do not agree on the potential impact of this missense change (SIFT: "Not Available"; PolyPhen-2: "Benign"; Align-GVGD: "Not Available"). Algorithms developed to predict the effect of sequence changes on RNA splicing suggest that this variant may create or strengthen a splice site. In summary, the available evidence is currently insufficient to determine the role of this variant in disease. Therefore, it has been classified as a Variant of Uncertain Significance.

NM_001358530.2(MOCS1):c.335G>A (p.Arg112Gln)

Gene: MOCS1 (molybdenum cofactor synthesis 1; minus strand). Cytogenetic location: 6p21.2.
Variant type: single nucleotide variant.
Coding change: c.335G>A on transcript NM_001358530.2 (MANE Select); coding-DNA position 335, G replaced by A.
Protein change: p.Arg112Gln; replaces arginine 112 with glutamine.
Molecular consequence: missense variant. On other transcripts: non-coding transcript variant (1).
Genome position (GRCh38, 1-based): chr6:39,925,761, C>T on the plus strand (G>A on the coding strand, the complement: MOCS1 is on the minus strand). VCF-style: chr6-39925761-C-T. GRCh37 (hg19) VCF-style: chr6-39893505-C-T.
Other names: c.335G>A, p.Arg112Gln (NM_001075098.4, NM_001358529.2, NM_005943.6); c.74G>A, p.Arg25Gln (NM_001358531.2, NM_001358533.2, NM_001358534.2); short protein forms R112Q, R25Q.
Identifiers: ClinVar variation 1422086 (VCV001422086.3), dbSNP rs751538238, ClinGen allele CA3796340.